The following is an entry in ClinVar:

ClinVar aggregate classification (germline): Uncertain significance (1 of 4 stars; one submission).

Conditions:
Autosomal dominant hypocalcemia 1 (HYPOC1). Also called: HYPOCALCEMIA, FAMILIAL. Identifiers: MedGen C3715128, MONDO:0011013, OMIM 601198.
Familial hypocalciuric hypercalcemia (FHH). Also called: Familial benign hypercalcemia. Identifiers: Orphanet 405, MedGen C1809471, MONDO:0018458.

Allele frequency attached by ClinVar (database versions not stated): TOPMed below 0.00001.

Submission:

Labcorp Genetics (formerly Invitae), Labcorp
Classification: Uncertain significance for Familial hypocalciuric hypercalcemia; Autosomal dominant hypocalcemia 1. Last evaluated: 2023-08-31. Review status: criteria provided, single submitter. Criteria: Invitae Variant Classification Sherloc (09022015). Collection method: clinical testing. Allele origin: germline.
Comment: An algorithm developed to predict the effect of missense changes on protein structure and function (PolyPhen-2) suggests that this variant is likely to be disruptive. In summary, the available evidence is currently insufficient to determine the role of this variant in disease. Therefore, it has been classified as a Variant of Uncertain Significance. This variant disrupts the p.Pro798 amino acid residue in CASR. Other variant(s) that disrupt this residue have been determined to be pathogenic (PMID: 15963484, 22422767). This suggests that this residue is clinically significant, and that variants that disrupt this residue are likely to be disease-causing. ClinVar contains an entry for this variant (Variation ID: 648479). This variant has not been reported in the literature in individuals affected with CASR-related conditions. This variant is not present in population databases (gnomAD no frequency). This sequence change replaces proline, which is neutral and non-polar, with arginine, which is basic and polar, at codon 798 of the CASR protein (p.Pro798Arg).

Literature cited by the submitters: PubMed 15963484; PubMed 22422767.

NM_000388.4(CASR):c.2393C>G (p.Pro798Arg)

Gene: CASR (calcium sensing receptor; plus strand). Cytogenetic location: 3q21.1.
Variant type: single nucleotide variant.
Coding change: c.2393C>G on transcript NM_000388.4 (MANE Select); coding-DNA position 2393, C replaced by G.
Protein change: p.Pro798Arg; replaces proline 798 with arginine.
Molecular consequence: missense variant.
Genome position (GRCh38, 1-based): chr3:122,284,347, C>G. VCF-style: chr3-122284347-C-G. GRCh37 (hg19) VCF-style: chr3-122003194-C-G.
Other names: c.2423C>G, p.Pro808Arg (NM_001178065.2); short protein forms P798R, P808R.
Identifiers: ClinVar variation 648479 (VCV000648479.4), dbSNP rs1060502856, ClinGen allele CA354159698.